The following is an entry in ClinVar:

ClinVar aggregate classification (germline): Benign (1 of 4 stars; one submission).

Allele frequency attached by ClinVar (database versions not stated): 1000 Genomes Project 30x 0.82261; TOPMed 0.82480; 1000 Genomes Project 0.82648; gnomAD 0.82862 and 0.83019.
gnomAD v4.1: 126,354 of 152,106 alleles (83%); highest among the groups gnomAD compares: East Asian, 88%; 52,677 homozygotes.

Submission:

GeneDx
Classification: Benign. Last evaluated: 2018-06-14. Review status: criteria provided, single submitter. Criteria: GeneDx Variant Classification (06012015). Collection method: clinical testing. Allele origin: germline. Affected: yes.
Comment: This variant is considered likely benign or benign based on one or more of the following criteria: it is a conservative change, it occurs at a poorly conserved position in the protein, it is predicted to be benign by multiple in silico algorithms, and/or has population frequency not consistent with disease.

NM_006073.4(TRDN):c.794-231C>G

Gene: TRDN (triadin; minus strand). Cytogenetic location: 6q22.31.
Variant type: single nucleotide variant.
Coding change: c.794-231C>G on transcript NM_006073.4 (MANE Select); 231 bases into the intron before coding-DNA position 794, C replaced by G.
Molecular consequence: intron variant.
Genome position (GRCh38, 1-based): chr6:123,497,483, G>C on the plus strand (C>G on the coding strand, the complement: TRDN is on the minus strand). VCF-style: chr6-123497483-G-C. GRCh37 (hg19) VCF-style: chr6-123818628-G-C.
Other names: c.794-231C>G (NM_001251987.2); c.793+6236C>G (NM_001256020.2).
Identifiers: ClinVar variation 678159 (VCV000678159.1), dbSNP rs4576276, ClinGen allele CA12393738.